The following is an entry in ClinVar:

ClinVar aggregate classification (germline): Benign (1 of 4 stars; one submission).

Allele frequency attached by ClinVar (database versions not stated): 1000 Genomes Project 0.14337; 1000 Genomes Project 30x 0.14756; gnomAD 0.18053 and 0.18613; TOPMed 0.18627.

Submission:

GeneDx
Classification: Benign. Last evaluated: 2018-06-14. Review status: criteria provided, single submitter. Criteria: GeneDx Variant Classification (06012015). Collection method: clinical testing. Allele origin: germline. Affected: yes.
Comment: This variant is considered likely benign or benign based on one or more of the following criteria: it is a conservative change, it occurs at a poorly conserved position in the protein, it is predicted to be benign by multiple in silico algorithms, and/or has population frequency not consistent with disease.

NM_020408.6(LYRM4):c.208-258dup

Genes: LYRM4 (LYR motif containing 4; minus strand), LYRM4-AS1 (LYRM4 antisense RNA 1; plus strand). Cytogenetic location: 6p25.1.
Variant type: Duplication.
Coding change: c.208-258dup on transcript NM_020408.6 (MANE Select); 258 bases into the intron before coding-DNA position 208, one base duplicated (G; older notation c.208-258dupG).
Molecular consequence: intron variant.
Genome position (GRCh38, 1-based): chr6:5,109,749, C duplicated on the plus strand (G on the coding strand, the reverse complement: LYRM4 is on the minus strand). VCF-style (leftmost placement, unchanged base first): chr6-5109748-T-TC. GRCh37 (hg19) VCF-style: chr6-5109982-T-TC.
Other names: c.208-41083dup (NM_001318783.1); c.*42-258dup (NM_001164841.3); c.208-258dupG (NM_020408.5).
Identifiers: ClinVar variation 680636 (VCV000680636.1), dbSNP rs56841759, ClinGen allele CA133907354.